The following is an entry in ClinVar:

NM_014336.5(AIPL1):c.94C>T (p.Arg32Ter)

Gene: AIPL1 (AIP like 1 HSP90 co-chaperone; minus strand). Cytogenetic location: 17p13.2.
Variant type: single nucleotide variant.
Coding change: c.94C>T on transcript NM_014336.5 (MANE Select); coding-DNA position 94, C replaced by T.
Protein change: p.Arg32Ter; replaces arginine 32 with a stop codon.
Molecular consequence: nonsense. On other transcripts: 5 prime UTR variant (1).
Genome position (GRCh38, 1-based): chr17:6,435,011, G>A on the plus strand (C>T on the coding strand, the complement: AIPL1 is on the minus strand). VCF-style: chr17-6435011-G-A. GRCh37 (hg19) VCF-style: chr17-6338331-G-A.
Other names: NM_014336.5(AIPL1):c.94C>T; p.Arg32Ter; c.94C>T, p.Arg32Ter (NM_001033054.3, NM_001033055.3, NM_001285399.3 and 3 more transcripts); c.-82C>T (NM_001285402.2); short protein forms R32*.
Identifiers: ClinVar variation 631782 (VCV000631782.14), dbSNP rs139305531, ClinGen allele CA287329603.

ClinVar aggregate classification (germline): Pathogenic. Review status: reviewed by expert panel (3 of 4 stars). 3 submissions from 3 submitters: Pathogenic (1). 2 of the submissions do not count toward it. Last evaluated 2026-07-31.

Conditions:
AIPL1-related disorder. Also called: AIPL1-related disorders; AIPL1-related condition. Identifiers: MedGen CN239169.
AIPL1-related retinopathy. Also called: AIPL1 retinopathy. Identifiers: MedGen CN305590, MONDO:0100438.
Leber congenital amaurosis 4 (LCA4). Identifiers: MedGen C1858386, MONDO:0011458, OMIM 604393.

Allele frequency attached by ClinVar (database versions not stated): gnomAD exomes below 0.00001; gnomAD 0.00002; TOPMed 0.00002; ESP Exome Variant Server 0.00008.
gnomAD v4.1: 4 of 1,614,052 alleles (0.00025%); highest among the groups gnomAD compares: African/African-American, 0.0053%; no homozygotes.

Submissions (3):

ClinGen Leber Congenital Amaurosis/early Onset Retinal Dystrophy Variant Curation Expert Panel, ClinGen
Classification: Pathogenic for AIPL1-related retinopathy. Last evaluated: 2026-07-31. Review status: reviewed by expert panel. Criteria: ClinGen LCAeoRD ACMG Specifications AIPL1 V1.0.0. Collection method: curation. Allele origin: germline. Inheritance: Autosomal recessive inheritance.
Comment: NM_014336.5(AIPL1):c.94C>T (p.Arg32Ter) is a nonsense variant that introduces a premature stop codon into exon 1 of 6 and is predicted to lead to nonsense-mediated decay in a gene in which loss-of-function is an established mechanism of disease (PVS1). This variant is present in gnomAD v.4.1.0 at a total allele frequency of 0.000002478, with 4 alleles / 1614052 total alleles, which is lower than the ClinGen LCA/eoRD VCEP PM2_Supporting threshold of <0.0004 (PM2_Supporting). This variant has been reported in at least 1 proband with early-onset severe retinal dystrophy who was compound heterozygous with the c.276+2T>C variant suspected in trans (0.5 points, PMID: 255596619), which was previously classified Pathogenic by the ClinGen LCA/eoRD VCEP (0.5 total points, PM3_Supporting). (VCEP specifications version 1.0.0)

Labcorp Genetics (formerly Invitae), Labcorp
Classification: Pathogenic for Leber congenital amaurosis 4. Last evaluated: 2024-02-22. Review status: criteria provided, single submitter. Criteria: Invitae Variant Classification Sherloc (09022015). Collection method: clinical testing. Allele origin: germline. Not counted in ClinVar's aggregate classification.
Comment: This sequence change creates a premature translational stop signal (p.Arg32*) in the AIPL1 gene. It is expected to result in an absent or disrupted protein product. Loss-of-function variants in AIPL1 are known to be pathogenic (PMID: 10615133, 15249368, 15347646). This variant is present in population databases (rs139305531, gnomAD 0.01%). This premature translational stop signal has been observed in individual(s) with Leber congenital amaurosis (PMID: 25596619). ClinVar contains an entry for this variant (Variation ID: 631782). For these reasons, this variant has been classified as Pathogenic.

Blueprint Genetics
Classification: Pathogenic for AIPL1-related disorders. Last evaluated: 2019-08-14. Review status: criteria provided, single submitter. Criteria: ACMG Guidelines, 2015. Collection method: clinical testing. Allele origin: germline. Affected: yes. Observed: 3 variant alleles. Not counted in ClinVar's aggregate classification.

Literature cited by the submitters: PubMed 10615133 (cited by Labcorp Genetics (formerly Invitae), Labcorp); PubMed 15249368 (cited by Labcorp Genetics (formerly Invitae), Labcorp); PubMed 15347646 (cited by Labcorp Genetics (formerly Invitae), Labcorp); PubMed 25596619 (cited by Labcorp Genetics (formerly Invitae), Labcorp).